The following is an entry in ClinVar:

NM_152328.5(ADSS1):c.947A>T (p.Asn316Ile)

Gene: ADSS1 (adenylosuccinate synthase 1; plus strand). Cytogenetic location: 14q32.33.
Variant type: single nucleotide variant.
Coding change: c.947A>T on transcript NM_152328.5 (MANE Select); coding-DNA position 947, A replaced by T.
Protein change: p.Asn316Ile; replaces asparagine 316 with isoleucine.
Molecular consequence: missense variant.
Genome position (GRCh38, 1-based): chr14:104,742,001, A>T. VCF-style: chr14-104742001-A-T. GRCh37 (hg19) VCF-style: chr14-105208338-A-T.
Other names: c.332A>T, p.Asn111Ile (NM_001320424.1); c.1076A>T, p.Asn359Ile (NM_199165.2); short protein forms N111I, N316I, N359I.
Identifiers: ClinVar variation 1937803 (VCV001937803.4), dbSNP rs372820652, ClinGen allele CA7373924.

ClinVar aggregate classification (germline): Uncertain significance (1 of 4 stars; one submission).

Allele frequency attached by ClinVar (database versions not stated): ExAC 0.00001; ESP Exome Variant Server 0.00008.
gnomAD v4.1: 11 of 1,612,590 alleles (0.00068%); highest among the groups gnomAD compares: Non-Finnish European, 0.00093%; no homozygotes.

Submission:

Labcorp Genetics (formerly Invitae), Labcorp
Classification: Uncertain significance. Last evaluated: 2025-10-14. Review status: criteria provided, single submitter. Criteria: Invitae Variant Classification Sherloc (09022015). Collection method: clinical testing. Allele origin: germline.
Comment: This sequence change replaces asparagine, which is neutral and polar, with isoleucine, which is neutral and non-polar, at codon 359 of the ADSSL1 protein (p.Asn359Ile). This variant is present in population databases (rs372820652, gnomAD 0.0009%). This variant has not been reported in the literature in individuals affected with ADSSL1-related conditions. ClinVar contains an entry for this variant (Variation ID: 1937803). An algorithm developed to predict the effect of missense changes on protein structure and function (PolyPhen-2) suggests that this variant is likely to be disruptive. In summary, the available evidence is currently insufficient to determine the role of this variant in disease. Therefore, it has been classified as a Variant of Uncertain Significance.